The following is an entry in ClinVar:

ClinVar aggregate classification (germline): Uncertain significance. Review status: criteria provided, multiple submitters, no conflicts (2 of 4 stars). 2 submissions from 2 submitters: Uncertain significance (2). Last evaluated 2024-11-18.

Conditions:
Inborn genetic diseases. Identifiers: MedGen C0950123, MeSH D030342.

Allele frequency attached by ClinVar (database versions not stated): gnomAD exomes below 0.00001; ExAC 0.00001.
gnomAD v4.1: 1 of 1,613,460 alleles (0.000062%); highest among the groups gnomAD compares: Non-Finnish European, 0.000085%; no homozygotes.

Submissions (2):

Ambry Genetics
Classification: Uncertain significance for Inborn genetic diseases. Last evaluated: 2024-11-18. Review status: criteria provided, single submitter. Criteria: Ambry Variant Classification Scheme 2023. Collection method: clinical testing. Allele origin: germline.
Comment: The p.T154I variant (also known as c.461C>T), located in coding exon 4 of the USB1 gene, results from a C to T substitution at nucleotide position 461. The threonine at codon 154 is replaced by isoleucine, an amino acid with similar properties. This amino acid position is conserved. In addition, this alteration is predicted to be tolerated by in silico analysis. Based on the available evidence, the clinical significance of this variant remains unclear.

Labcorp Genetics (formerly Invitae), Labcorp
Classification: Uncertain significance. Last evaluated: 2023-01-15. Review status: criteria provided, single submitter. Criteria: Invitae Variant Classification Sherloc (09022015). Collection method: clinical testing. Allele origin: germline.
Comment: In summary, the available evidence is currently insufficient to determine the role of this variant in disease. Therefore, it has been classified as a Variant of Uncertain Significance. Algorithms developed to predict the effect of sequence changes on RNA splicing suggest that this variant may disrupt the consensus splice site. Advanced modeling of protein sequence and biophysical properties (such as structural, functional, and spatial information, amino acid conservation, physicochemical variation, residue mobility, and thermodynamic stability) performed at Invitae indicates that this missense variant is not expected to disrupt USB1 protein function. This variant has not been reported in the literature in individuals affected with USB1-related conditions. This variant is present in population databases (rs779326318, gnomAD 0.0009%). This sequence change replaces threonine, which is neutral and polar, with isoleucine, which is neutral and non-polar, at codon 154 of the USB1 protein (p.Thr154Ile).

NM_024598.4(USB1):c.461C>T (p.Thr154Ile)

Gene: USB1 (U6 snRNA biogenesis phosphodiesterase 1; plus strand). Cytogenetic location: 16q21.
Variant type: single nucleotide variant.
Coding change: c.461C>T on transcript NM_024598.4 (MANE Select); coding-DNA position 461, C replaced by T.
Protein change: p.Thr154Ile; replaces threonine 154 with isoleucine.
Molecular consequence: missense variant. On other transcripts: intron variant (1).
Genome position (GRCh38, 1-based): chr16:58,014,284, C>T. VCF-style: chr16-58014284-C-T. GRCh37 (hg19) VCF-style: chr16-58048188-C-T.
Other names: c.308C>T, p.Thr103Ile (NM_001330568.2); c.450-3050C>T (NM_001195302.2); short protein forms T103I, T154I.
Identifiers: ClinVar variation 2986253 (VCV002986253.4), dbSNP rs779326318, ClinGen allele CA8084941.